The following is an entry in ClinVar:

NM_001365088.1(SLC12A6):c.3043-3C>G

Gene: SLC12A6 (solute carrier family 12 member 6; minus strand). Cytogenetic location: 15q14.
Variant type: single nucleotide variant.
Coding change: c.3043-3C>G on transcript NM_001365088.1 (MANE Select); 3 bases into the intron before coding-DNA position 3043, C replaced by G.
Molecular consequence: intron variant.
Genome position (GRCh38, 1-based): chr15:34,236,202, G>C on the plus strand (C>G on the coding strand, the complement: SLC12A6 is on the minus strand). VCF-style: chr15-34236202-G-C. GRCh37 (hg19) VCF-style: chr15-34528403-G-C.
Other names: c.2866-3C>G (NM_001042495.2, NM_001042494.2); c.3016-3C>G (NM_001042496.2); c.2998-3C>G (NM_001042497.2); c.3043-3C>G (NM_133647.2); c.2890-3C>G (NM_005135.2).
Identifiers: ClinVar variation 884676 (VCV000884676.16), dbSNP rs368682142, ClinGen allele CA7463933.

ClinVar aggregate classification (germline): Uncertain significance. Review status: criteria provided, multiple submitters, no conflicts (2 of 4 stars). 6 submissions from 6 submitters: Uncertain significance (5). 1 of the submissions does not count toward it. Last evaluated 2024-12-18.

Conditions:
Charcot-Marie-Tooth disease, axonal, IIa 2II. Also called: CHARCOT-MARIE-TOOTH NEUROPATHY, TYPE 2II; Charcot-Marie-Tooth disease, axonal, type 2II; Charcot-marie-tooth disease, axonal,IIa 2II. Identifiers: MedGen C5774227, MONDO:0031068, OMIM 620068.
Agenesis of the corpus callosum with peripheral neuropathy (ACCPN). Also called: Hereditary Motor and Sensory Neuropathy with Agenesis of the Corpus Callosum; CHARLEVOIX DISEASE; POLYNEUROPATHY, SENSORIMOTOR, WITH OR WITHOUT AGENESIS OF THE CORPUS CALLOSUM; HMSN/ACC. Identifiers: Orphanet 1496, MedGen C0795950, MONDO:0000902, OMIM 218000. Disease mechanism: loss of function.

Allele frequency attached by ClinVar (database versions not stated): TOPMed 0.00004; ExAC 0.00005; gnomAD exomes 0.00005; ESP Exome Variant Server 0.00008; gnomAD 0.00008.
gnomAD v4.1: 118 of 1,612,070 alleles (0.0073%); highest among the groups gnomAD compares: Non-Finnish European, 0.0095%; no homozygotes.

Submissions (6):

Institute of Immunology and Genetics Kaiserslautern
Classification: Uncertain significance for Charcot-Marie-Tooth disease, axonal, IIa 2II. Last evaluated: 2024-12-18. Review status: criteria provided, single submitter. Criteria: ACMG Guidelines, 2015. Collection method: clinical testing. Allele origin: germline. Affected: yes.
Comment: ACMG Criteria: PM2_P, PP3; Variant was found in heterozygous state

Labcorp Genetics (formerly Invitae), Labcorp
Classification: Uncertain significance. Last evaluated: 2024-10-30. Review status: criteria provided, single submitter. Criteria: Invitae Variant Classification Sherloc (09022015). Collection method: clinical testing. Allele origin: germline.
Comment: This sequence change falls in intron 22 of the SLC12A6 gene. It does not directly change the encoded amino acid sequence of the SLC12A6 protein. It affects a nucleotide within the consensus splice site. This variant is present in population databases (rs368682142, gnomAD 0.01%). This variant has not been reported in the literature in individuals affected with SLC12A6-related conditions. ClinVar contains an entry for this variant (Variation ID: 884676). Variants that disrupt the consensus splice site are a relatively common cause of aberrant splicing (PMID: 17576681, 9536098). Algorithms developed to predict the effect of sequence changes on RNA splicing suggest that this variant may disrupt the consensus splice site. In summary, the available evidence is currently insufficient to determine the role of this variant in disease. Therefore, it has been classified as a Variant of Uncertain Significance.

Genome-Nilou Lab
Classification: Uncertain significance for Agenesis of the corpus callosum with peripheral neuropathy. Last evaluated: 2021-07-15. Review status: criteria provided, single submitter. Criteria: ACMG Guidelines, 2015. Collection method: clinical testing. Allele origin: germline. Affected: no.

GeneDx
Classification: Uncertain significance. Last evaluated: 2019-03-26. Review status: criteria provided, single submitter. Criteria: GeneDx Variant Classification Process June 2021. Collection method: clinical testing. Allele origin: germline. Affected: yes.
Comment: Not observed at a significant frequency in large population cohorts (Lek et al., 2016); In silico analysis, which includes splice predictors and evolutionary conservation, supports a deleterious effect; Has not been previously published as pathogenic or benign to our knowledge

Illumina Laboratory Services, Illumina
Classification: Uncertain significance for Agenesis of the corpus callosum with peripheral neuropathy. Last evaluated: 2018-01-13. Review status: criteria provided, single submitter. Criteria: ICSL Variant Classification Criteria 13 December 2019. Collection method: clinical testing. Allele origin: germline.

Natera, Inc.
Classification: Uncertain significance for Andermann syndrome. Last evaluated: 2020-01-24. Review status: no assertion criteria provided. Collection method: clinical testing. Allele origin: germline. Not counted in ClinVar's aggregate classification.

Literature cited by the submitters: PubMed 17576681 (cited by Labcorp Genetics (formerly Invitae), Labcorp); PubMed 9536098 (cited by Labcorp Genetics (formerly Invitae), Labcorp).